The following is an entry in ClinVar:

ClinVar aggregate classification (germline): Uncertain significance. Review status: criteria provided, multiple submitters, no conflicts (2 of 4 stars). 2 submissions from 2 submitters: Uncertain significance (2). Last evaluated 2025-08-31.

Conditions:
STEAP2-related disorder. Also called: STEAP2-related condition.

gnomAD v4.1: 137 of 1,613,694 alleles (0.0085%); highest among the groups gnomAD compares: Non-Finnish European, 0.011%; no homozygotes.

Submissions (2):

PreventionGenetics, part of Exact Sciences
Classification: Uncertain significance for STEAP2-related condition. Last evaluated: 2025-08-31. Review status: criteria provided, single submitter. Criteria: ACMG Guidelines, 2015. Collection method: clinical testing. Allele origin: germline.
Comment: The STEAP2 c.1357T>C variant is predicted to result in the amino acid substitution p.Cys453Arg. To our knowledge, this variant has not been reported in the literature. This variant is reported in 0.023% of alleles in individuals of European (Non-Finnish) descent in gnomAD. At this time, the clinical significance of this variant is uncertain due to the absence of conclusive functional and genetic evidence.

Ambry Genetics
Classification: Uncertain significance. Last evaluated: 2024-10-03. Review status: criteria provided, single submitter. Criteria: Ambry Variant Classification Scheme 2023. Collection method: clinical testing. Allele origin: germline.

NM_001244944.2(STEAP2):c.1357T>C (p.Cys453Arg)

Gene: STEAP2 (STEAP2 metalloreductase; plus strand). Cytogenetic location: 7q21.13.
Variant type: single nucleotide variant.
Coding change: c.1357T>C on transcript NM_001244944.2 (MANE Select); coding-DNA position 1357, T replaced by C.
Protein change: p.Cys453Arg; replaces cysteine 453 with arginine.
Molecular consequence: missense variant. On other transcripts: intron variant (3).
Genome position (GRCh38, 1-based): chr7:90,232,508, T>C. VCF-style: chr7-90232508-T-C. GRCh37 (hg19) VCF-style: chr7-89861822-T-C.
Other names: c.1357T>C, p.Cys453Arg (NM_001040665.2, NM_152999.4); c.1333+24T>C (NM_001244945.2, NM_001040666.2); c.1185+2472T>C (NM_001244946.2); short protein forms C453R.
Identifiers: ClinVar variation 3450474 (VCV003450474.2).